The following is an entry in ClinVar:

ClinVar aggregate classification (germline): Likely pathogenic. Review status: criteria provided, single submitter (1 of 4 stars). 2 submissions from 2 submitters: Likely pathogenic (1). 1 of the submissions does not count toward it. Last evaluated 2023-08-01.

Conditions:
Spastic paraplegia. Identifiers: MedGen C0037772, HP:0001258.
Hereditary spastic paraplegia 15 (SPG15). Also called: SPASTIC PARAPLEGIA 15, AUTOSOMAL RECESSIVE; KJELLIN SYNDROME; SPASTIC PARAPLEGIA AND RETINAL DEGENERATION. Identifiers: Orphanet 100996, MedGen C1849128, MONDO:0010044, OMIM 270700.

Allele frequency attached by ClinVar (database versions not stated): gnomAD exomes below 0.00001; TOPMed below 0.00001.
gnomAD v4.1: 7 of 1,614,180 alleles (0.00043%); highest among the groups gnomAD compares: Non-Finnish European, 0.00059%; no homozygotes.

Submissions (2):

Labcorp Genetics (formerly Invitae), Labcorp
Classification: Likely pathogenic for Spastic paraplegia. Last evaluated: 2023-08-01. Review status: criteria provided, single submitter. Criteria: Invitae Variant Classification Sherloc (09022015). Collection method: clinical testing. Allele origin: germline.
Comment: In summary, the currently available evidence indicates that the variant is pathogenic, but additional data are needed to prove that conclusively. Therefore, this variant has been classified as Likely Pathogenic. Algorithms developed to predict the effect of sequence changes on RNA splicing suggest that this variant may disrupt the consensus splice site. ClinVar contains an entry for this variant (Variation ID: 552763). This variant has not been reported in the literature in individuals affected with ZFYVE26-related conditions. This variant is not present in population databases (gnomAD no frequency). This sequence change affects an acceptor splice site in intron 37 of the ZFYVE26 gene. It is expected to disrupt RNA splicing. Variants that disrupt the donor or acceptor splice site typically lead to a loss of protein function (PMID: 16199547), and loss-of-function variants in ZFYVE26 are known to be pathogenic (PMID: 18394578, 19805727).

Counsyl
Classification: Likely pathogenic for Hereditary spastic paraplegia 15. Last evaluated: 2017-07-05. Review status: no assertion criteria provided. Collection method: clinical testing. Allele origin: unknown. Not counted in ClinVar's aggregate classification.

Literature cited by the submitters: PubMed 16199547 (cited by Labcorp Genetics (formerly Invitae), Labcorp); PubMed 18394578 (cited by Labcorp Genetics (formerly Invitae), Labcorp); PubMed 19805727 (cited by Labcorp Genetics (formerly Invitae), Labcorp).

NM_015346.4(ZFYVE26):c.6987-1G>A

Gene: ZFYVE26 (zinc finger FYVE-type containing 26; minus strand). Cytogenetic location: 14q24.1.
Variant type: single nucleotide variant.
Coding change: c.6987-1G>A on transcript NM_015346.4 (MANE Select); the canonical splice acceptor site of the intron before coding-DNA position 6987, G replaced by A.
Molecular consequence: splice acceptor variant.
Genome position (GRCh38, 1-based): chr14:67,754,213, C>T on the plus strand (G>A on the coding strand, the complement: ZFYVE26 is on the minus strand). VCF-style: chr14-67754213-C-T. GRCh37 (hg19) VCF-style: chr14-68220930-C-T.
Identifiers: ClinVar variation 552763 (VCV000552763.5), dbSNP rs1555393393, ClinGen allele CA390160033.
Genomic context (GRCh38, chr14:67,754,213, plus strand): 5'-CTTTCGCACCGATGCAAGAACCTGGTCACTTCCATCTGCAGCTGAAGTGTGTTCATGTGC[C>T]TGTGGTGACAGAATATGCACAGTCCAGCCTCATGAGGGGCCCCAGGTGACTGAGGCCAGG-3'